The following is an entry in ClinVar:

ClinVar aggregate classification (germline): Uncertain significance (1 of 4 stars; one submission).

Conditions:
Developmental and epileptic encephalopathy, 72. Also called: EPILEPTIC ENCEPHALOPATHY, EARLY INFANTILE, 72. Identifiers: MedGen C5193063, MONDO:0032710, OMIM 618374.

gnomAD v4.1: 9 of 1,612,406 alleles (0.00056%); highest among the groups gnomAD compares: South Asian, 0.0077%; no homozygotes.

Submission:

Neuberg Centre For Genomic Medicine, NCGM
Classification: Uncertain significance for Developmental and epileptic encephalopathy, 72. Last evaluated: 2023-06-22. Review status: criteria provided, single submitter. Criteria: ACMG Guidelines, 2015. Collection method: clinical testing. Allele origin: germline. Inheritance: Autosomal dominant inheritance. Affected: yes.
Comment: The observed missense c.659G>T(p.Gly220Val) variant in NEUROD2 gene has not been reported previously as a pathogenic variant nor as a benign variant, to our knowledge. This variant is reported with the allele frequency of 0.002% in the gnomAD Exomes. The amino acid Gly at position 220 is changed to a Val changing protein sequence and it might alter its composition and physico-chemical properties. The amino acid change p.Gly220Val in NEUROD2 is predicted as conserved by GERP++ and PhyloP across 100 vertebrates. Computational evidence (Polyphen - Possibly Damaging, SIFT - Tolerated, and MutationTaster - Disease causing) predicts conflicting evidence on protein structure and function for this variant. For these reasons, this variant has been classified as Uncertain Significance.

NM_006160.4(NEUROD2):c.659G>T (p.Gly220Val)

Gene: NEUROD2 (neuronal differentiation 2; minus strand). Cytogenetic location: 17q12.
Variant type: single nucleotide variant.
Coding change: c.659G>T on transcript NM_006160.4 (MANE Select); coding-DNA position 659, G replaced by T.
Protein change: p.Gly220Val; replaces glycine 220 with valine.
Molecular consequence: missense variant.
Genome position (GRCh38, 1-based): chr17:39,605,941, C>A on the plus strand (G>T on the coding strand, the complement: NEUROD2 is on the minus strand). VCF-style: chr17-39605941-C-A. GRCh37 (hg19) VCF-style: chr17-37762194-C-A.
Other names: short protein forms G220V.
Identifiers: ClinVar variation 3731474 (VCV003731474.1).